The following is an entry in ClinVar:

ClinVar aggregate classification (germline): Uncertain significance (1 of 4 stars; one submission).

Submission:

Labcorp Genetics (formerly Invitae), Labcorp
Classification: Uncertain significance. Last evaluated: 2022-07-25. Review status: criteria provided, single submitter. Criteria: Invitae Variant Classification Sherloc (09022015). Collection method: clinical testing. Allele origin: germline.
Comment: In summary, the available evidence is currently insufficient to determine the role of this variant in disease. Therefore, it has been classified as a Variant of Uncertain Significance. Algorithms developed to predict the effect of sequence changes on RNA splicing suggest that this variant may create or strengthen a splice site. This variant has not been reported in the literature in individuals affected with SAR1B-related conditions. This variant is not present in population databases (gnomAD no frequency). This sequence change falls in intron 5 of the SAR1B gene. It does not directly change the encoded amino acid sequence of the SAR1B protein.

NM_016103.4(SAR1B):c.244+36_244+49del

Gene: SAR1B (secretion associated Ras related GTPase 1B; minus strand). Cytogenetic location: 5q31.1.
Variant type: Deletion.
Coding change: c.244+36_244+49del on transcript NM_016103.4 (MANE Select); bases 36 to 49 of the intron after coding-DNA position 244, 14 bases deleted (TTTTTTTTTTTTTT).
Molecular consequence: intron variant.
Genome position (GRCh38, 1-based): chr5:134,612,642-134,612,655, AAAAAAAAAAAAAA deleted on the plus strand (TTTTTTTTTTTTTT on the coding strand, the reverse complement: SAR1B is on the minus strand); deleting any 14 consecutive bases within chr5:134,612,642-134,612,681 gives the same sequence; the c. name uses the placement nearest the transcript's 3' end. VCF-style (leftmost placement, unchanged base first): chr5-134612641-TAAAAAAAAAAAAAA-T. GRCh37 (hg19) VCF-style: chr5-133948331-TAAAAAAAAAAAAAA-T.
Other names: c.244+36_244+49del (NM_001033503.3).
Identifiers: ClinVar variation 2091500 (VCV002091500.2), dbSNP rs34365859, ClinGen allele CA127968479.